The following is an entry in ClinVar:

NM_014000.3(VCL):c.2434+19T>C

Gene: VCL (vinculin; plus strand). Cytogenetic location: 10q22.2.
Variant type: single nucleotide variant.
Coding change: c.2434+19T>C on transcript NM_014000.3 (MANE Select); 19 bases into the intron after coding-DNA position 2434, T replaced by C.
Molecular consequence: intron variant.
Genome position (GRCh38, 1-based): chr10:74,105,372, T>C. VCF-style: chr10-74105372-T-C. GRCh37 (hg19) VCF-style: chr10-75865130-T-C.
Other names: c.2434+19T>C (NM_003373.4).
Identifiers: ClinVar variation 137899 (VCV000137899.13), dbSNP rs188216596, ClinGen allele CA333102.

ClinVar aggregate classification (germline): Benign/Likely benign. Review status: criteria provided, multiple submitters, no conflicts (2 of 4 stars). 6 submissions from 6 submitters: Benign (4); Likely benign (2). Last evaluated 2026-02-03.

Conditions:
Hypertrophic cardiomyopathy 15. Identifiers: MedGen C2750459, MONDO:0013200, OMIM 613255.
Dilated cardiomyopathy 1W (CMD1W). Identifiers: Orphanet 154, MedGen C1969639, MONDO:0012667, OMIM 611407.

Allele frequency attached by ClinVar (database versions not stated): gnomAD exomes 0.00020 and 0.00045; ExAC 0.00062; gnomAD 0.00186 and 0.00198; TOPMed 0.00220; 1000 Genomes Project 30x 0.00234; 1000 Genomes Project 0.00240; ESP Exome Variant Server 0.00246.
gnomAD v4.1: 570 of 1,611,998 alleles (0.035%); highest among the groups gnomAD compares: African/African-American, 0.72%; 4 homozygotes.

Submissions (6):

Labcorp Genetics (formerly Invitae), Labcorp
Classification: Benign for Dilated cardiomyopathy 1W. Last evaluated: 2026-02-03. Review status: criteria provided, single submitter. Criteria: Invitae Variant Classification Sherloc (09022015). Collection method: clinical testing. Allele origin: germline.

Blueprint Genetics
Classification: Likely benign. Last evaluated: 2024-06-28. Review status: criteria provided, single submitter. Criteria: ACMG Guidelines, 2015. Collection method: clinical testing. Allele origin: germline.

ARUP Laboratories, Molecular Genetics and Genomics, ARUP Laboratories
Classification: Benign. Last evaluated: 2023-10-10. Review status: criteria provided, single submitter. Criteria: ARUP Molecular Germline Variant Investigation Process 2024. Collection method: clinical testing. Allele origin: germline.

Women's Health and Genetics/Laboratory Corporation of America, LabCorp
Classification: Benign. Last evaluated: 2022-04-05. Review status: criteria provided, single submitter. Criteria: LabCorp Variant Classification Summary - May 2015. Collection method: clinical testing. Allele origin: germline.

Fulgent Genetics
Classification: Likely benign for Dilated cardiomyopathy 1W; Hypertrophic cardiomyopathy 15. Last evaluated: 2021-10-20. Review status: criteria provided, single submitter. Criteria: ACMG Guidelines, 2015. Collection method: clinical testing. Allele origin: unknown.

GeneDx
Classification: Benign. Last evaluated: 2013-04-17. Review status: criteria provided, single submitter. Criteria: GeneDx Variant Classification (06012015). Collection method: clinical testing. Allele origin: germline. Affected: yes.
Comment: This variant is considered likely benign or benign based on one or more of the following criteria: it is a conservative change, it occurs at a poorly conserved position in the protein, it is predicted to be benign by multiple in silico algorithms, and/or has population frequency not consistent with disease.